The following is an entry in ClinVar:

ClinVar aggregate classification (germline): Uncertain significance (1 of 4 stars; one submission).

Conditions:
Hereditary sensory and autonomic neuropathy type 6. Also called: Neuropathy, hereditary sensory and autonomic, type VI; HSAN VI. Identifiers: Orphanet 314381, MedGen C3539003, MONDO:0013839, OMIM 614653.
Epidermolysis bullosa simplex 3, localized or generalized intermediate, with BP230 deficiency (EBS3). Also called: Epidermolysis bullosa simplex, autosomal recessive 2; Epidermolysis bullosa simplex due to BP230 deficiency. Identifiers: Orphanet 412181, MedGen C3809470, MONDO:0014180, OMIM 615425.

Allele frequency attached by ClinVar (database versions not stated): gnomAD exomes below 0.00001.
gnomAD v4.1: 3 of 1,613,218 alleles (0.00019%); highest among the groups gnomAD compares: Non-Finnish European, 0.00025%; no homozygotes.

Submission:

Labcorp Genetics (formerly Invitae), Labcorp
Classification: Uncertain significance for Epidermolysis bullosa simplex 3, localized or generalized intermediate, with BP230 deficiency; Hereditary sensory and autonomic neuropathy type 6. Last evaluated: 2019-03-06. Review status: criteria provided, single submitter. Criteria: Invitae Variant Classification Sherloc (09022015). Collection method: clinical testing. Allele origin: germline.
Comment: In summary, the available evidence is currently insufficient to determine the role of this variant in disease. Therefore, it has been classified as a Variant of Uncertain Significance. Algorithms developed to predict the effect of missense changes on protein structure and function are either unavailable or do not agree on the potential impact of this missense change (SIFT: "Tolerated"; PolyPhen-2: "Not Available"; Align-GVGD: "Class C0"). This variant has not been reported in the literature in individuals with DST-related conditions. This variant is not present in population databases (ExAC no frequency). This sequence change replaces glutamic acid with asparagine at codon 3801 of the DST protein (p.Glu3801Asp). The glutamic acid residue is moderately conserved and there is a small physicochemical difference between glutamic acid and asparagine. The DST gene has multiple clinically relevant transcripts. The p.Glu3801Asp variant occurs in alternate transcript NM_015548.4, which corresponds to c.*108760G>T in NM_001723.5, the primary transcript listed in the Methods.

NM_001374736.1(DST):c.19272G>T (p.Glu6424Asp)

Gene: DST (dystonin; minus strand). Cytogenetic location: 6p12.1.
Variant type: single nucleotide variant.
Coding change: c.19272G>T on transcript NM_001374736.1 (MANE Select); coding-DNA position 19272, G replaced by T.
Protein change: p.Glu6424Asp; replaces glutamic acid 6424 with aspartic acid.
Molecular consequence: missense variant.
Genome position (GRCh38, 1-based): chr6:56,506,757, C>A on the plus strand (G>T on the coding strand, the complement: DST is on the minus strand). VCF-style: chr6-56506757-C-A. GRCh37 (hg19) VCF-style: chr6-56371555-C-A.
Other names: c.12915G>T, p.Glu4305Asp (NM_001144769.5); c.12501G>T, p.Glu4167Asp (NM_001144770.2); c.19272G>T, p.Glu6424Asp (NM_001374722.1); c.18312G>T, p.Glu6104Asp (NM_001374729.1); c.12054G>T, p.Glu4018Asp (NM_001374730.1); c.19299G>T, p.Glu6433Asp (NM_001374734.1); c.11403G>T, p.Glu3801Asp (NM_015548.5); c.12381G>T, p.Glu4127Asp (NM_183380.4); short protein forms E3801D, E4167D, E6104D, E4018D, E6424D, E6433D, E4127D, E4305D.
Identifiers: ClinVar variation 967820 (VCV000967820.8), dbSNP rs2096328571, ClinGen allele CA364522919.